The following is an entry in ClinVar:

ClinVar aggregate classification (germline): Uncertain significance (1 of 4 stars; one submission).

Submission:

GeneDx
Classification: Uncertain significance. Last evaluated: 2024-09-27. Review status: criteria provided, single submitter. Criteria: GeneDx Variant Classification Process June 2021. Collection method: clinical testing. Allele origin: germline. Affected: yes.
Comment: Not observed at significant frequency in large population cohorts (gnomAD); In silico analysis supports that this missense variant has a deleterious effect on protein structure/function; Has not been previously published as pathogenic or benign to our knowledge; This variant is associated with the following publications: (PMID: 25512093, 25609763, 26100331)

NM_001376.5(DYNC1H1):c.6982C>T (p.Pro2328Ser)

Gene: DYNC1H1 (dynein cytoplasmic 1 heavy chain 1; plus strand). Cytogenetic location: 14q32.31.
Variant type: single nucleotide variant.
Coding change: c.6982C>T on transcript NM_001376.5 (MANE Select); coding-DNA position 6982, C replaced by T.
Protein change: p.Pro2328Ser; replaces proline 2328 with serine.
Molecular consequence: missense variant.
Genome position (GRCh38, 1-based): chr14:102,012,438, C>T. VCF-style: chr14-102012438-C-T. GRCh37 (hg19) VCF-style: chr14-102478775-C-T.
Other names: short protein forms P2328S.
Identifiers: ClinVar variation 2442617 (VCV002442617.2), dbSNP rs2503757929, ClinGen allele CA391059152.
Genomic context (GRCh38, chr14:102,012,438, plus strand): 5'-GATCCAGAGTGGGTTGAGAACTTGAACTCAGTGCTGGATGACAATAAGCTCCTAACTTTG[C>T]CCAATGGAGAGCGCCTCAGTCTTCCACCCAATGTAAGTAGCCTTTTGTATGTCGTCAACT-3'
Protein context (NP_001367.2, residues 2318-2338): VLDDNKLLTL[Pro2328Ser]NGERLSLPPN